The following is an entry in ClinVar:

ClinVar aggregate classification (germline): Uncertain significance (1 of 4 stars; one submission).

Conditions:
Hereditary cancer-predisposing syndrome. Also called: Hereditary Cancer Syndrome; Neoplastic Syndromes, Hereditary; Tumor predisposition; Hereditary neoplastic syndrome. Identifiers: Orphanet 140162, MedGen C0027672, MeSH D009386, MONDO:0015356.

Submission:

Ambry Genetics
Classification: Uncertain significance for Hereditary cancer-predisposing syndrome. Last evaluated: 2022-03-01. Review status: criteria provided, single submitter. Criteria: Ambry Variant Classification Scheme 2023. Collection method: clinical testing. Allele origin: germline.
Comment: The p.K175T variant (also known as c.524A>C), located in coding exon 3 of the XRCC2 gene, results from an A to C substitution at nucleotide position 524. The lysine at codon 175 is replaced by threonine, an amino acid with similar properties. This amino acid position is conserved. In addition, this alteration is predicted to be tolerated by in silico analysis. Since supporting evidence is limited at this time, the clinical significance of this alteration remains unclear.

NM_005431.2(XRCC2):c.524A>C (p.Lys175Thr)

Gene: XRCC2 (X-ray repair cross complementing 2; minus strand). Cytogenetic location: 7q36.1.
Variant type: single nucleotide variant.
Coding change: c.524A>C on transcript NM_005431.2 (MANE Select); coding-DNA position 524, A replaced by C.
Protein change: p.Lys175Thr; replaces lysine 175 with threonine.
Molecular consequence: missense variant.
Genome position (GRCh38, 1-based): chr7:152,648,961, T>G on the plus strand (A>C on the coding strand, the complement: XRCC2 is on the minus strand). VCF-style: chr7-152648961-T-G. GRCh37 (hg19) VCF-style: chr7-152346046-T-G.
Other names: short protein forms K175T.
Identifiers: ClinVar variation 1746330 (VCV001746330.2), dbSNP rs2116987633, ClinGen allele CA370198509.